The following is an entry in ClinVar:

ClinVar aggregate classification (germline): Uncertain significance. Review status: criteria provided, multiple submitters, no conflicts (2 of 4 stars). 3 submissions from 3 submitters: Uncertain significance (3). Last evaluated 2025-08-02.

Conditions:
Inborn genetic diseases. Identifiers: MedGen C0950123, MeSH D030342.

Allele frequency attached by ClinVar (database versions not stated): gnomAD exomes 0.00001 and 0.00002; ExAC 0.00003; gnomAD 0.00004 and 0.00005; TOPMed 0.00008; 1000 Genomes Project 0.00020; ESP Exome Variant Server 0.00023; 1000 Genomes Project 30x 0.00031.
gnomAD v4.1: 23 of 1,614,076 alleles (0.0014%); highest among the groups gnomAD compares: African/African-American, 0.024%; no homozygotes.

Submissions (3):

Ambry Genetics
Classification: Uncertain significance for Inborn genetic diseases. Last evaluated: 2025-08-02. Review status: criteria provided, single submitter. Criteria: Ambry Variant Classification Scheme 2023. Collection method: clinical testing. Allele origin: germline.

Mayo Clinic Laboratories, Mayo Clinic
Classification: Uncertain significance. Last evaluated: 2023-04-07. Review status: criteria provided, single submitter. Criteria: ACMG Guidelines, 2015. Collection method: clinical testing. Allele origin: germline. Observed: 1 variant allele.
Comment: BP4, PM2

Labcorp Genetics (formerly Invitae), Labcorp
Classification: Uncertain significance. Last evaluated: 2022-03-13. Review status: criteria provided, single submitter. Criteria: Invitae Variant Classification Sherloc (09022015). Collection method: clinical testing. Allele origin: germline.
Comment: This sequence change replaces proline, which is neutral and non-polar, with serine, which is neutral and polar, at codon 115 of the MCM3AP protein (p.Pro115Ser). This variant is present in population databases (rs138351858, gnomAD 0.02%). This variant has not been reported in the literature in individuals affected with MCM3AP-related conditions. Algorithms developed to predict the effect of missense changes on protein structure and function (SIFT, PolyPhen-2, Align-GVGD) all suggest that this variant is likely to be tolerated. In summary, the available evidence is currently insufficient to determine the role of this variant in disease. Therefore, it has been classified as a Variant of Uncertain Significance.

NM_003906.5(MCM3AP):c.343C>T (p.Pro115Ser)

Gene: MCM3AP (minichromosome maintenance complex component 3 associated protein; minus strand). Cytogenetic location: 21q22.3.
Variant type: single nucleotide variant.
Coding change: c.343C>T on transcript NM_003906.5 (MANE Select); coding-DNA position 343, C replaced by T.
Protein change: p.Pro115Ser; replaces proline 115 with serine.
Molecular consequence: missense variant.
Genome position (GRCh38, 1-based): chr21:46,284,944, G>A on the plus strand (C>T on the coding strand, the complement: MCM3AP is on the minus strand). VCF-style: chr21-46284944-G-A. GRCh37 (hg19) VCF-style: chr21-47704858-G-A.
Other names: p.Pro115Ser; c.343C>T (NM_003906.3); short protein forms P115S.
Identifiers: ClinVar variation 1412621 (VCV001412621.5), dbSNP rs138351858, ClinGen allele CA10077368.